The following is an entry in ClinVar:

ClinVar aggregate classification (germline): Uncertain significance (1 of 4 stars; one submission).

Conditions:
Focal segmental glomerulosclerosis 5 (FSGS5). Identifiers: Orphanet 656, MedGen C2750475, MONDO:0013191, OMIM 613237.
Charcot-Marie-Tooth disease dominant intermediate E. Also called: CHARCOT-MARIE-TOOTH NEUROPATHY WITH FOCAL SEGMENTAL GLOMERULONEPHRITIS. Identifiers: Orphanet 93114, MedGen C4302667, MONDO:0013758, OMIM 614455.

Allele frequency attached by ClinVar (database versions not stated): gnomAD exomes below 0.00001.

Submission:

Labcorp Genetics (formerly Invitae), Labcorp
Classification: Uncertain significance for Charcot-Marie-Tooth disease dominant intermediate E; Focal segmental glomerulosclerosis 5. Last evaluated: 2022-07-10. Review status: criteria provided, single submitter. Criteria: Invitae Variant Classification Sherloc (09022015). Collection method: clinical testing. Allele origin: germline.
Comment: In summary, the available evidence is currently insufficient to determine the role of this variant in disease. Therefore, it has been classified as a Variant of Uncertain Significance. This variant has not been reported in the literature in individuals affected with INF2-related conditions. This variant is not present in population databases (gnomAD no frequency). This sequence change creates a premature translational stop signal (p.Leu429Argfs*129) in the INF2 gene. It is expected to result in an absent or disrupted protein product. However, the current clinical and genetic evidence is not sufficient to establish whether loss-of-function variants in INF2 cause disease.

NM_022489.4(INF2):c.1286del (p.Leu429fs)

Gene: INF2 (inverted formin 2; plus strand). Cytogenetic location: 14q32.33.
Variant type: Deletion.
Coding change: c.1286del on transcript NM_022489.4 (MANE Select); coding-DNA position 1286, one base deleted (T; older notation c.1286delT).
Protein change: p.Leu429fs; shifts the reading frame from leucine 429.
Molecular consequence: frameshift variant.
Genome position (GRCh38, 1-based): chr14:104,707,553, T deleted. VCF-style (leftmost placement, unchanged base first): chr14-104707552-CT-C. GRCh37 (hg19) VCF-style: chr14-105173889-CT-C.
Other names: c.1286del, p.Leu429fs (NM_001031714.4); short protein forms L429fs.
Identifiers: ClinVar variation 2015663 (VCV002015663.4), dbSNP rs2541919067, ClinGen allele CA2580088474.